The following is an entry in ClinVar:

NM_016204.4(GDF2):c.41C>G (p.Ser14Cys)

Gene: GDF2 (growth differentiation factor 2; plus strand). Cytogenetic location: 10q11.22.
Variant type: single nucleotide variant.
Coding change: c.41C>G on transcript NM_016204.4 (MANE Select); coding-DNA position 41, C replaced by G.
Protein change: p.Ser14Cys; replaces serine 14 with cysteine.
Molecular consequence: missense variant.
Genome position (GRCh38, 1-based): chr10:47,322,709, C>G. VCF-style: chr10-47322709-C-G. GRCh37 (hg19) VCF-style: chr10-48416653-G-C.
Other names: short protein forms S14C.
Identifiers: ClinVar variation 1391334 (VCV001391334.8), dbSNP rs1190807654, ClinGen allele CA376651742.

ClinVar aggregate classification (germline): Uncertain significance (1 of 4 stars; one submission).

Conditions:
Telangiectasia, hereditary hemorrhagic, type 5 (HHT5). Identifiers: Orphanet 774, MedGen C3809710, MONDO:0014217, OMIM 615506.

Allele frequency attached by ClinVar (database versions not stated): TOPMed below 0.00001; gnomAD 0.00001.
gnomAD v4.1: 1 of 1,592,178 alleles (0.000063%); highest among the groups gnomAD compares: Admixed American, 0.0017%; no homozygotes.

Submission:

Labcorp Genetics (formerly Invitae), Labcorp
Classification: Uncertain significance for Telangiectasia, hereditary hemorrhagic, type 5. Last evaluated: 2021-04-10. Review status: criteria provided, single submitter. Criteria: Invitae Variant Classification Sherloc (09022015). Collection method: clinical testing. Allele origin: germline.
Comment: In summary, the available evidence is currently insufficient to determine the role of this variant in disease. Therefore, it has been classified as a Variant of Uncertain Significance. Algorithms developed to predict the effect of missense changes on protein structure and function output the following: SIFT: "Tolerated"; PolyPhen-2: "Benign"; Align-GVGD: "Class C0". The cysteine amino acid residue is found in multiple mammalian species, suggesting that this missense change does not adversely affect protein function. These predictions have not been confirmed by published functional studies and their clinical significance is uncertain. This variant has not been reported in the literature in individuals with GDF2-related conditions. This variant is not present in population databases (ExAC no frequency). This sequence change replaces serine with cysteine at codon 14 of the GDF2 protein (p.Ser14Cys). The serine residue is weakly conserved and there is a moderate physicochemical difference between serine and cysteine.